The following is an entry in ClinVar:

ClinVar aggregate classification (germline): Uncertain significance (1 of 4 stars; one submission).

Submission:

Dasa
Classification: Uncertain significance. Last evaluated: 2025-03-27. Review status: criteria provided, single submitter. Criteria: DASA Assertion Criteria. Collection method: clinical testing. Allele origin: germline.
Comment: NM_002816.5(PSMD12):c.854A>G (p.Asp285Gly) is a missense variant that results in the substitution of aspartic acid with glycine. This variant is absent from population databases. The currently available literature and clinical evidence are not sufficient to establish a definitive association between this variant and the reported condition. Therefore, this variant is classified as a variant of uncertain significance.

NM_002816.5(PSMD12):c.854A>G (p.Asp285Gly)

Gene: PSMD12 (proteasome 26S subunit, non-ATPase 12; minus strand). Cytogenetic location: 17q24.2.
Variant type: single nucleotide variant.
Coding change: c.854A>G on transcript NM_002816.5 (MANE Select); coding-DNA position 854, A replaced by G.
Protein change: p.Asp285Gly; replaces aspartic acid 285 with glycine.
Molecular consequence: missense variant.
Genome position (GRCh38, 1-based): chr17:67,345,799, T>C on the plus strand (A>G on the coding strand, the complement: PSMD12 is on the minus strand). VCF-style: chr17-67345799-T-C. GRCh37 (hg19) VCF-style: chr17-65341915-T-C.
Other names: c.677A>G, p.Asp226Gly (NM_001316341.2); c.794A>G, p.Asp265Gly (NM_174871.4); short protein forms D226G, D265G, D285G.
Identifiers: ClinVar variation 5020976 (VCV005020976.1).
Genomic context (GRCh38, chr17:67,345,799, plus strand): 5'-ACTTACTTGTATTTGGGAATTTCTTCTAACTTCTTGTCACCACTTATTCGGTGAACCAAA[T>C]CTGACTGTTCATTGTCAAAAGGAGCCAGGATAACATAGAGTACAACACTCTTCAGAGCCT-3'
Protein context (NP_002807.1, residues 275-295): ILAPFDNEQS[Asp285Gly]LVHRISGDKK